The following is an entry in ClinVar:

NM_001041.4(SI):c.717T>C (p.Tyr239=)

Gene: SI (sucrase-isomaltase; minus strand). Cytogenetic location: 3q26.1.
Variant type: single nucleotide variant.
Coding change: c.717T>C on transcript NM_001041.4 (MANE Select); coding-DNA position 717, T replaced by C.
Protein change: p.Tyr239=; no amino-acid change (tyrosine 239 retained).
Molecular consequence: synonymous variant.
Genome position (GRCh38, 1-based): chr3:165,065,351, A>G on the plus strand (T>C on the coding strand, the complement: SI is on the minus strand). VCF-style: chr3-165065351-A-G. GRCh37 (hg19) VCF-style: chr3-164783139-A-G.
Identifiers: ClinVar variation 3057820 (VCV003057820.2), dbSNP rs753398539, ClinGen allele CA2691346.

ClinVar aggregate classification (germline): Likely benign (0 of 4 stars; one submission).

Conditions:
SI-related disorder. Also called: SI-related condition.

Allele frequency attached by ClinVar (database versions not stated): ExAC 0.00001.
gnomAD v4.1: 4 of 1,595,798 alleles (0.00025%); highest among the groups gnomAD compares: Admixed American, 0.0034%; no homozygotes.

Submission:

PreventionGenetics, part of Exact Sciences
Classification: Likely benign for SI-related condition. Last evaluated: 2019-02-27. Review status: no assertion criteria provided. Collection method: clinical testing. Allele origin: germline.
Comment: This variant is classified as likely benign based on ACMG/AMP sequence variant interpretation guidelines (Richards et al. 2015 PMID: 25741868, with internal and published modifications).